The following is an entry in ClinVar:

NM_022911.3(SLC26A6):c.1631G>A (p.Arg544His)

Gene: SLC26A6 (solute carrier family 26 member 6; minus strand). Cytogenetic location: 3p21.31.
Variant type: single nucleotide variant.
Coding change: c.1631G>A on transcript NM_022911.3 (MANE Select); coding-DNA position 1631, G replaced by A.
Protein change: p.Arg544His; replaces arginine 544 with histidine.
Molecular consequence: missense variant.
Genome position (GRCh38, 1-based): chr3:48,628,683, C>T on the plus strand (G>A on the coding strand, the complement: SLC26A6 is on the minus strand). VCF-style: chr3-48628683-C-T. GRCh37 (hg19) VCF-style: chr3-48666116-C-T.
Other names: c.1568G>A, p.Arg523His (NM_001040454.1); c.1523G>A, p.Arg508His (NM_001281732.2); c.1310G>A, p.Arg437His (NM_001281733.2); c.1631G>A, p.Arg544His (NM_134263.3, NM_134426.3); short protein forms R523H, R544H, R437H, R508H.
Identifiers: ClinVar variation 64452 (VCV000064452.2), dbSNP rs387907495, ClinGen allele CA216173.

ClinVar aggregate classification (germline): Uncertain significance (0 of 4 stars; one submission).

Allele frequency attached by ClinVar (database versions not stated): ExAC 0.00002; TOPMed 0.00002; gnomAD exomes 0.00001.
gnomAD v4.1: 24 of 1,613,440 alleles (0.0015%); highest among the groups gnomAD compares: Non-Finnish European, 0.0019%; no homozygotes.

Submission:

Martin Pollak Laboratory,  Beth Israel Deaconess Medical Center
Classification: Uncertain significance. Review status: no assertion criteria provided. Collection method: not provided. Allele origin: unknown.
Comment: Higher UCa2+ group
ClinVar note: Converted during submission from unknown to Uncertain significance.